The following continues an entry in ClinVar:

NM_213607.3(DNAAF19):c.461A>C (p.His154Pro)

Gene: DNAAF19. ClinVar aggregate classification (germline): Pathogenic/Likely pathogenic. Pathogenic (24); Likely pathogenic (5).

Submissions 14 to 32 of 32:

Ambry Genetics
Classification: Likely pathogenic for Primary ciliary dyskinesia. Last evaluated: 2023-11-01. Review status: criteria provided, single submitter. Criteria: Ambry Variant Classification Scheme 2023. Collection method: clinical testing. Allele origin: germline.
Comment: The p.H154P variant (also known as c.461A>C), located in coding exon 3 of the CCDC103 gene, results from an A to C substitution at nucleotide position 461. The histidine at codon 154 is replaced by proline, an amino acid with similar properties. This variant has been reported in multiple homozygous individuals of various ethnic backgrounds with primary ciliary dyskinesia (PCD); several affected individuals had laterality defects and ciliary analyses showing dynein arm defects (Panizzi JR et al. Nat. Genet., 2012 May;44:714-9; Zariwala MA et al. Am. J. Hum. Genet., 2013 Aug;93:336-45; D'Andrea G et al. Blood, 2013 Dec;122:4289-91; Casey JP et al. BMC Med. Genet., 2015 Jun;16:45). It has also been confirmed in trans with a second varoamt in an affected individual (Boaretto F et al. J Mol Diagn, 2016 11;18:912-922). In a study of 86 South Asian individuals with a clinical history consistent with PCD, 16 were found to be homozygous for this variant. In this study, this variant was often associated with normal nasal nitric oxide, areas of normal ciliary beat frequency, and normal ultrastructure on electron microscopy; however, respiratory capacity was reduced similarly to a comparator group, comprised of South Asian individuals with PCD who were negative for this alteration (Shoemark A et al. Thorax, 2018 02;73:157-166). Injection of the mutant mRNA in smh zebrafish partially rescued the phenotype, suggesting that this may be a hypomorphic variant (Panizzi JR et al. Nat. Genet., 2012 May;44:714-9). In addition, biochemical analysis has shown that the H154P alteration is highly disruptive of oligomerization ability, although mutant protein retains the ability to dimerize (Shoemark A et al. Thorax, 2018 02;73:157-166). This amino acid position is not well conserved in available vertebrate species. In addition, the in silico prediction for this alteration is inconclusive. Based on the majority of available evidence to date, this variant is likely to be pathogenic.

Daryl Scott Lab, Baylor College of Medicine
Classification: Pathogenic for Primary ciliary dyskinesia 17. Last evaluated: 2023-04-11. Review status: criteria provided, single submitter. Criteria: ACMG Guidelines, 2015. Collection method: clinical testing. Allele origin: biparental. Inheritance: Autosomal recessive inheritance. Affected: yes. Observed: 1 homozygote.

Department of Pathology and Laboratory Medicine, Sinai Health System
Classification: Pathogenic for Primary ciliary dyskinesia 17. Last evaluated: 2023-03-13. Review status: criteria provided, single submitter. Criteria: ACMG Guidelines, 2015. Collection method: research. Allele origin: germline.

Laboratorio de Genetica e Diagnostico Molecular, Hospital Israelita Albert Einstein
Classification: Pathogenic for Primary ciliary dyskinesia 17. Last evaluated: 2022-04-05. Review status: criteria provided, single submitter. Criteria: ACMG Guidelines, 2015. Collection method: clinical testing. Allele origin: germline. Affected: yes. Observed: 1 variant allele.
Comment: ACMG classification criteria: PS3 supporting, PS4 strong, PM3 strong, PP1 moderated, BP4 supporting

CeGaT Center for Human Genetics Tuebingen
Classification: Pathogenic. Last evaluated: 2021-10-01. Review status: criteria provided, single submitter. Criteria: CeGaT Center For Human Genetics Tuebingen Variant Classification Criteria Version 2. Collection method: clinical testing. Allele origin: germline. Affected: yes. Observed: 1 variant allele.

GeneDx
Classification: Pathogenic. Last evaluated: 2021-09-30. Review status: criteria provided, single submitter. Criteria: GeneDx Variant Classification Process June 2021. Collection method: clinical testing. Allele origin: germline. Affected: yes.
Comment: Published functional studies in zebra fish suggest a damaging effect with partial rescue of axis curvature or cilia motility phenotypes. In addition, reduced cilia beat amplitude or loss of beat coordination and cilia paralysis was observed in respiratory cells from patients homozygous for this variant (Panizzi et al,. 2012); This variant is associated with the following publications: (PMID: 30238669, 24357714, 22581229, 31469207, 23891469, 27637300, 26123568, 31273583, 28790179, 29363216, 31879361, 31980526, 32447765)

Genetics and Genomic Medicine Centre, NeuroGen Healthcare, NeuroGen Healthcare
Classification: Pathogenic for Primary ciliary dyskinesia 17. Last evaluated: 2021-02-06. Review status: criteria provided, single submitter. Criteria: Submitter's publication. Collection method: clinical testing. Allele origin: unknown. Affected: no.

Illumina Laboratory Services, Illumina
Classification: Pathogenic for Primary ciliary dyskinesia 17. Last evaluated: 2018-11-12. Review status: criteria provided, single submitter. Criteria: ICSL Variant Classification Criteria 09 May 2019. Collection method: clinical testing. Allele origin: germline.
Comment: The CCDC103 c.461A>C (p.His154Pro) variant has been identified in four studies in a total of ten probands with primary ciliary dyskinesia, including nine in a homozygous state and one in a compound heterozygous state (Panizzi et al. 2012; D'Andrea et al 2013; Casey et al 2015; Boaretto et al. 2016). The p.His154Pro variant was also found in a heterozygous state in 13 unaffected family members. The p.His154Pro variant was absent from 180 controls and is reported at a frequency of 0.00333 in the South Asian population of the Exome Aggregation Consortium. In vivo functional studies in zebrafish demonstrated that the p.His154Pro variant mRNA could not rescue a mutant phenotype, while the wild type CCDC103 mRNA was able to rescue the mutant phenotype, demonstrating a lack of function of the p.His154Pro variant protein (Panizzi et al. 2012). Based on the evidence, the p.His154Pro variant is classified as pathogenic for primary ciliary dyskinesia. This variant was observed by ICSL as part of a predisposition screen in an ostensibly healthy population.

Fulgent Genetics
Classification: Pathogenic for Primary ciliary dyskinesia 17. Last evaluated: 2018-10-31. Review status: criteria provided, single submitter. Criteria: ACMG Guidelines, 2015. Collection method: clinical testing. Allele origin: unknown.

SIB Swiss Institute of Bioinformatics
Classification: Likely pathogenic for Primary ciliary dyskinesia 17. Last evaluated: 2018-05-31. Review status: criteria provided, single submitter. Criteria: ACMG Guidelines, 2015. Collection method: curation. Allele origin: unknown.
Comment: This variant is interpreted as a Likely Pathogenic, for Ciliary dyskinesia, primary, 17, in Autosomal Recessive manner. The following ACMG Tag(s) were applied: PM2-Supporting => Present in Exome Sequencing Project, 1000 Genomes Project, or Exome Aggregation Consortium with allele frequency compatible with recessive disease and high disease prevalence (1:2265 individuals in South Asia populations) (PMID:28790179). PS3 => Well-established functional studies show a deleterious effect (PMID:28790179) (PMID:22581229). PP1-Moderate => PP1 upgraded in strength to Moderate (PMID:26123568,24357714,22581229).

Laboratory for Molecular Medicine, Mass General Brigham Personalized Medicine
Classification: Pathogenic for Primary ciliary dyskinesia. Last evaluated: 2018-04-12. Review status: criteria provided, single submitter. Criteria: LMM Criteria. Collection method: clinical testing. Allele origin: germline. Inheritance: Autosomal recessive inheritance. Observed: 2 variant alleles.
Comment: The p.His154Pro variant in CCDC103 has been reported in 25 homozygous and 1 comp ound heterozygous individuals with Primary ciliary dyskinesia and segregated in 7 affected family members (Panizzi 2012, D'Andrea 2013, Casey 2015, Boaretto 201 6, Shoemark 2017). All of these individuals were homozygous or compound heterozy gous. This variant has also been reported in ClinVar (Variation ID: 31698). This variant has been identified in 0.32% (97/30782) of South Asian chromosomes by t he Genome Aggregation Database (gnomAD; dbSNP rs145457535). Although this variant has been seen in the general population, its frequency is low enough to be consistent with a recessive carrier frequency. Co mputational prediction tools and conservation analyses do not provide strong sup port for or against an impact to the protein. Functional studies provide some ev idence that the p.His154Pro variant may reduce protein function (Panizzi 2012). However, these types of assays may not accurately represent biological function. In summary, the p.His154Pro variant in CCDC103 meets criteria to be classified as pathogenic for Primary ciliary dyskinesia in an autosomal recessive manner ba sed upon segregation studies, presence in affecteds, and functional evidence. AC MG/AMP Criteria applied: PS4, PP1_Strong; PS3_Moderate.

Baylor Genetics
Classification: Pathogenic for Primary ciliary dyskinesia 17. Last evaluated: 2017-09-01. Review status: criteria provided, single submitter. Criteria: ACMG Guidelines, 2015. Collection method: clinical testing. Allele origin: germline. Inheritance: Autosomal recessive inheritance. Affected: yes.
Comment: Heterozygotes are expected to be asymptomatic carriers.

Centre for Mendelian Genomics, University Medical Centre Ljubljana
Classification: Likely pathogenic for Primary ciliary dyskinesia 17. Last evaluated: 2016-01-01. Review status: criteria provided, single submitter. Criteria: ACMG Guidelines, 2015. Collection method: clinical testing. Allele origin: unknown. Affected: yes.
Comment: This variant was classified as: Likely pathogenic. The following ACMG criteria were applied in classifying this variant: PS3,PP4,PP5. This variant was detected in homozygous state.

Eurofins Ntd Llc (ga)
Classification: Pathogenic. Last evaluated: 2015-12-29. Review status: criteria provided, single submitter. Criteria: EGL Classification Definitions 2015. Collection method: clinical testing. Allele origin: germline. Observed: 5 variant alleles, 4 heterozygotes.

Institute for Medical Genetics and Human Genetics, Charité - Universitätsmedizin Berlin
Classification: Pathogenic for Hereditary spastic paraplegia 50. Review status: criteria provided, single submitter. Criteria: ACMG Guidelines, 2015. Collection method: not provided. Allele origin: germline. Inheritance: Autosomal recessive inheritance. Affected: yes.

Neuberg Centre For Genomic Medicine, NCGM
Classification: Pathogenic for Primary ciliary dyskinesia 17. Review status: criteria provided, single submitter. Criteria: ACMG Guidelines, 2015. Collection method: clinical testing. Allele origin: germline. Inheritance: Autosomal recessive inheritance. Affected: yes.
Comment: The missense c.461A>C(p.His154Pro) variant in CCDC103 gene has been reported in homozygous state in individuals affected with ciliary dyskinesia (Casey, J.P., et al.,2015). Functional studies have demonstrated a lack of function of the p.His154Pro variant protein (Panizzi JR, et. al.,2012;Shoemark A, et. al.,2018). The p.His154Pro variant is reported with an allele frequency of 0.1% in the gnomAD exomes database and is novel (not in any individuals) in 1000 Genomes database. This variant has been reported to the ClinVar database as Uncertain Significance/ Likely Pathogenic/ Pathogenic (multiple submission). The amino acid His at position 154 is changed to a Pro changing protein sequence and it might alter its composition and physico-chemical properties. The amino acid change p.His154Pro in CCDC103 is predicted as conserved by GERP++ and PhyloP across 100 vertebrates. For these reasons, this variant has been classified as Pathogenic.

Yale Center for Mendelian Genomics, Yale University
Classification: Likely pathogenic for Primary ciliary dyskinesia. Last evaluated: 2018-08-01. Review status: no assertion criteria provided. Collection method: literature only. Allele origin: germline. Affected: yes. Observed: 1 compound heterozygote. Study: Yale Center for Mendelian Genomics. Not counted in ClinVar's aggregate classification.

OMIM
Classification: Pathogenic for CILIARY DYSKINESIA, PRIMARY, 17. Last evaluated: 2012-05-13. Review status: no assertion criteria provided. Collection method: literature only. Allele origin: germline. Not counted in ClinVar's aggregate classification.

MAGI's Lab - Research, MAGI Group
Classification: Uncertain significance for Infertility disorder. Review status: flagged submission. Collection method: provider interpretation. Allele origin: germline. Affected: yes. Not counted in ClinVar's aggregate classification.
ClinVar note: Reason: Outlier claim with insufficient supporting evidence

Literature cited by the submitters: PubMed 22581229 (cited by 10 submitters); PubMed 26123568 (cited by 7 submitters); PubMed 27637300 (cited by 5 submitters); PubMed 24357714 (cited by 7 submitters); PubMed 30067075 (cited by 3 submitters); PubMed 28790179 (cited by 6 submitters); PubMed 23891469 (cited by 3 submitters); PubMed 37673932 (cited by Daryl Scott Lab, Baylor College of Medicine); PubMed 25326635 (cited by Baylor Genetics).